The following is an entry in ClinVar:

ClinVar aggregate classification (germline): Pathogenic. Review status: criteria provided, multiple submitters, no conflicts (2 of 4 stars). 12 submissions from 12 submitters: Pathogenic (7). 5 of the submissions do not count toward it. Last evaluated 2026-09-17.

Conditions:
ARSA-related disorder. Also called: ARSA-related condition.
Metachromatic leukodystrophy (MLD). Also called: ARSA DEFICIENCY; CEREBROSIDE SULFATASE DEFICIENCY; SULFATIDE LIPIDOSIS; Arylsulfatase A Deficiency; Cerebral sclerosis diffuse metachromatic form; METACHROMATIC LEUKOENCEPHALOPATHY. Identifiers: Orphanet 512, MedGen C0023522, MONDO:0018868, OMIM 250100.

Allele frequency attached by ClinVar (database versions not stated): gnomAD 0.00005 and 0.00006; TOPMed 0.00006.
gnomAD v4.1: 141 of 1,613,354 alleles (0.0087%); highest among the groups gnomAD compares: Non-Finnish European, 0.012%; no homozygotes.

Submissions (13):

Laboratory of Experimental Gene Therapy of Hereditary Metabolic Diseases, Research Centre for Medical Genetics
Classification: Pathogenic for Metachromatic leukodystrophy. Last evaluated: 2026-09-17. Review status: criteria provided, single submitter. Criteria: ARSA MLD Assertion Criteria V2 2026 09 18. Collection method: clinical testing. Allele origin: germline. Inheritance: Autosomal recessive inheritance. Affected: yes. Observed: 1 variant allele, 1 compound heterozygote.
Comment: The previously reported Pathogenic classification was reviewed and retained for the accompanying study. External ClinVar record reviewed: VCV000003070.28. Observations from the present referral series were not used to establish pathogenicity.

Labcorp Genetics (formerly Invitae), Labcorp
Classification: Pathogenic for Metachromatic leukodystrophy. Last evaluated: 2026-02-01. Review status: criteria provided, single submitter. Criteria: Invitae Variant Classification Sherloc (09022015). Collection method: clinical testing. Allele origin: germline.
Comment: This sequence change replaces alanine, which is neutral and non-polar, with valine, which is neutral and non-polar, at codon 214 of the ARSA protein (p.Ala214Val). This variant is present in population databases (rs74315467, gnomAD 0.004%). This missense change has been observed in individual(s) with metachromatic leukodystrophy (PMID: 7906588, 9090526, 9192271, 14517960, 26462614). This variant is also known as p.Ala212Val. ClinVar contains an entry for this variant (Variation ID: 3070). Invitae Evidence Modeling of protein sequence and biophysical properties (such as structural, functional, and spatial information, amino acid conservation, physicochemical variation, residue mobility, and thermodynamic stability) indicates that this missense variant is expected to disrupt ARSA protein function with a positive predictive value of 95%. Experimental studies have shown that this missense change affects ARSA function (PMID: 9192271). For these reasons, this variant has been classified as Pathogenic.

Natera, Inc.
Classification: Pathogenic for Metachromatic leukodystrophy. Last evaluated: 2025-08-04. Review status: criteria provided, single submitter. Criteria: Natera Variant Classification Schema (03/2026). Collection method: clinical testing. Allele origin: germline.
Comment: The c.641C>T variant in ARSA is a missense variant predicted to cause substitution of alanine to valine at amino acid 214. This variant is rare in the general population with a frequency below the threshold expected for the associated phenotype(s). This variant has been observed in one or more individuals affected with the associated recessive disease, as either homozygous or compound heterozygous with a second variant (PMID: 9192271, 26000324, 24001781). Given the available evidence, this variant is classified as Pathogenic.

Fulgent Genetics
Classification: Pathogenic for Metachromatic leukodystrophy. Last evaluated: 2024-04-17. Review status: criteria provided, single submitter. Criteria: ACMG Guidelines, 2015. Collection method: clinical testing. Allele origin: germline.

Blueprint Genetics
Classification: Pathogenic for ARSA-related disorders. Last evaluated: 2023-04-26. Review status: criteria provided, single submitter. Criteria: ACMG Guidelines, 2015. Collection method: clinical testing. Allele origin: germline. Affected: yes. Observed: 4 variant alleles.

Women's Health and Genetics/Laboratory Corporation of America, LabCorp
Classification: Pathogenic for Metachromatic leukodystrophy. Last evaluated: 2019-09-07. Review status: criteria provided, single submitter. Criteria: LabCorp Variant Classification Summary - May 2015. Collection method: clinical testing. Allele origin: germline.
Comment: Variant summary: ARSA c.641C>T (p.Ala214Val) results in a non-conservative amino acid change in the encoded protein sequence. Three of four in-silico tools predict a damaging effect of the variant on protein function. The variant allele was found at a frequency of 2e-05 in 250702 control chromosomes. c.641C>T has been reported in the literature in multiple individuals affected with Metachromatic Leukodystrophy (Barth_1993, Gort_1999, Eng_2003, Luzi_2013, Cesani_2015). These data indicate that the variant is very likely to be associated with disease. To our knowledge, no experimental evidence demonstrating an impact on protein function has been reported. One clinical diagnostic laboratory has submitted clinical-significance assessments for this variant to ClinVar after 2014 without evidence for independent evaluation and classified the variant as pathogenic. Based on the evidence outlined above, the variant was classified as pathogenic.

Eurofins Ntd Llc (ga)
Classification: Pathogenic. Last evaluated: 2014-06-13. Review status: criteria provided, single submitter. Criteria: EGL Classification Definitions 2015. Collection method: clinical testing. Allele origin: germline. Observed: 2 variant alleles, 2 heterozygotes.

Counsyl
Classification: Pathogenic for Metachromatic leukodystrophy. Last evaluated: 2016-08-18. Review status: no assertion criteria provided. Collection method: clinical testing. Allele origin: unknown. Not counted in ClinVar's aggregate classification.

OMIM
Classification: Pathogenic for METACHROMATIC LEUKODYSTROPHY. Last evaluated: 1993-12-01. Review status: no assertion criteria provided. Collection method: literature only. Allele origin: germline. Not counted in ClinVar's aggregate classification.

Diagnostic Laboratory, Department of Genetics, University Medical Center Groningen
Classification: Pathogenic. Review status: no assertion criteria provided. Collection method: clinical testing. Allele origin: germline. Affected: yes. Study: VKGL Data-share Consensus. Not counted in ClinVar's aggregate classification.

Gelb Laboratory, University of Washington
No classification provided (evidence only). Condition: Metachromatic leukodystrophy. Review status: no classification provided. Collection method: in vitro. Allele origin: not applicable. Functional consequence: loss of function. Not counted in ClinVar's aggregate classification.

GeneReviews
No classification provided. Condition: Metachromatic leukodystrophy. Review status: no classification provided. Collection method: literature only. Allele origin: germline. Not counted in ClinVar's aggregate classification.

Genome Diagnostics Laboratory, University Medical Center Utrecht
Classification: Pathogenic. Review status: no assertion criteria provided. Collection method: clinical testing. Allele origin: germline. Affected: yes. Study: VKGL Data-share Consensus. Not counted in ClinVar's aggregate classification.

Literature cited by the submitters: PubMed 7906588 (cited by 5 submitters); PubMed 9090526 (cited by Labcorp Genetics (formerly Invitae), Labcorp and Counsyl); PubMed 9192271 (cited by 4 submitters); PubMed 14517960 (cited by 3 submitters); PubMed 26462614 (cited by 3 submitters); PubMed 26000324 (cited by Natera, Inc.); PubMed 24001781 (cited by Natera, Inc. and Women's Health and Genetics/Laboratory Corporation of America, LabCorp); PubMed 10477432 (cited by Women's Health and Genetics/Laboratory Corporation of America, LabCorp); PubMed 22993277 (cited by Counsyl); NCBI Bookshelf NBK1130 (cited by GeneReviews).

NM_000487.6(ARSA):c.641C>T (p.Ala214Val)

Gene: ARSA (arylsulfatase A; minus strand). Cytogenetic location: 22q13.33.
Variant type: single nucleotide variant.
Coding change: c.641C>T on transcript NM_000487.6 (MANE Select); coding-DNA position 641, C replaced by T.
Protein change: p.Ala214Val; replaces alanine 214 with valine.
Molecular consequence: missense variant.
Genome position (GRCh38, 1-based): chr22:50,626,877, G>A on the plus strand (C>T on the coding strand, the complement: ARSA is on the minus strand). VCF-style: chr22-50626877-G-A. GRCh37 (hg19) VCF-style: chr22-51065305-G-A.
Other names: A212V; NP_000478.3:p.(Ala214Val); c.641C>T, p.Ala214Val (NM_001085425.3, NM_001085426.3, NM_001085427.3); c.383C>T, p.Ala128Val (NM_001085428.3, NM_001362782.2); short protein forms A214V, A128V.
Identifiers: ClinVar variation 3070 (VCV000003070.31), dbSNP rs74315467, ClinGen allele CA340036.
Genomic context (GRCh38, chr22:50,626,877, plus strand): 5'-GGGCCAAGATCACTTACGTGAGAGGCATAGTACAGGAAGAAGGGGCGATCCTGGCGCTGG[G>A]CGTCGGCCATGAGGTCATGGGCGAAAGCCATGTAGCGGGCCTCTAGTCCGGGCAGCCAGG-3'
Protein context (NP_000478.3, residues 204-224): MAFAHDLMAD[Ala214Val]QRQDRPFFLY